The following is an entry in ClinVar:

NM_153240.5(NPHP3):c.1928C>T (p.Pro643Leu)

Genes: NPHP3 (nephrocystin 3; minus strand), NPHP3-ACAD11 (NPHP3-ACAD11 readthrough (NMD candidate); minus strand). Cytogenetic location: 3q22.1.
Variant type: single nucleotide variant.
Coding change: c.1928C>T on transcript NM_153240.5 (MANE Select); coding-DNA position 1928, C replaced by T.
Protein change: p.Pro643Leu; replaces proline 643 with leucine.
Molecular consequence: missense variant.
Genome position (GRCh38, 1-based): chr3:132,699,410, G>A on the plus strand (C>T on the coding strand, the complement: NPHP3 is on the minus strand). VCF-style: chr3-132699410-G-A. GRCh37 (hg19) VCF-style: chr3-132418254-G-A.
Other names: p.Pro643Leu; c.1928C>T (NM_153240.4); short protein forms P643L.
Identifiers: ClinVar variation 988261 (VCV000988261.7), dbSNP rs760831781, ClinGen allele CA2622173.

ClinVar aggregate classification (germline): Likely pathogenic. Review status: criteria provided, multiple submitters, no conflicts (2 of 4 stars). 5 submissions from 5 submitters: Likely pathogenic (4). 1 of the submissions does not count toward it. Last evaluated 2025-07-16.

Conditions:
Nephronophthisis. Also called: Juvenile Nephronophthisis. Identifiers: Orphanet 655, MedGen C0687120, MONDO:0019005, HP:0000090.
Nephronophthisis 3 (NPHP3). Also called: Adolescent nephronophthisis. Identifiers: Orphanet 655, MedGen C1858392, MONDO:0011456, OMIM 604387.
NPHP3-related disorder. Also called: NPHP3-related condition; NPHP3-related disorders. Identifiers: MedGen CN379163.

Allele frequency attached by ClinVar (database versions not stated): ExAC 0.00002; gnomAD 0.00003 and 0.00004; gnomAD exomes 0.00003 and 0.00005; TOPMed 0.00003.
gnomAD v4.1: 77 of 1,612,220 alleles (0.0048%); highest among the groups gnomAD compares: Non-Finnish European, 0.0059%; no homozygotes.

Submissions (5):

Labcorp Genetics (formerly Invitae), Labcorp
Classification: Likely pathogenic for Nephronophthisis. Last evaluated: 2025-07-16. Review status: criteria provided, single submitter. Criteria: Invitae Variant Classification Sherloc (09022015). Collection method: clinical testing. Allele origin: germline.
Comment: This sequence change replaces proline, which is neutral and non-polar, with leucine, which is neutral and non-polar, at codon 643 of the NPHP3 protein (p.Pro643Leu). This variant is present in population databases (rs760831781, gnomAD 0.005%). This missense change has been observed in individual(s) with nephronophthisis (PMID: 28844315, 28973083). In at least one individual the data is consistent with being in trans (on the opposite chromosome) from a pathogenic variant. ClinVar contains an entry for this variant (Variation ID: 988261). Invitae Evidence Modeling of protein sequence and biophysical properties (such as structural, functional, and spatial information, amino acid conservation, physicochemical variation, residue mobility, and thermodynamic stability) indicates that this missense variant is not expected to disrupt NPHP3 protein function with a negative predictive value of 80%. Algorithms developed to predict the effect of sequence changes on RNA splicing suggest that this variant may disrupt the consensus splice site. In summary, the currently available evidence indicates that the variant is pathogenic, but additional data are needed to prove that conclusively. Therefore, this variant has been classified as Likely Pathogenic.

Mayo Clinic Laboratories, Mayo Clinic
Classification: Likely pathogenic. Last evaluated: 2024-11-22. Review status: criteria provided, single submitter. Criteria: ACMG Guidelines, 2015. Collection method: clinical testing. Allele origin: germline. Observed: 1 variant allele.
Comment: PP3, PM2_supporting, PM3, PS4_moderate

Blueprint Genetics
Classification: Likely pathogenic for NPHP3-related disorders. Last evaluated: 2023-10-16. Review status: criteria provided, single submitter. Criteria: ACMG Guidelines, 2015. Collection method: clinical testing. Allele origin: germline. Affected: yes. Observed: 2 variant alleles.

Women's Health and Genetics/Laboratory Corporation of America, LabCorp
Classification: Likely pathogenic for Nephronophthisis 3. Last evaluated: 2021-11-03. Review status: criteria provided, single submitter. Criteria: LabCorp Variant Classification Summary - May 2015. Collection method: clinical testing. Allele origin: germline.
Comment: Variant summary: NPHP3 c.1928C>T (p.Pro643Leu) results in a non-conservative amino acid change in the encoded protein sequence. Five of five in-silico tools predict a damaging effect of the variant on protein function. The variant allele was found at a frequency of 2.8e-05 in 250234 control chromosomes. c.1928C>T has been reported in the literature both as a compound heterozygous and a homozygous genotype respectively in at-least two individuals affected with Nephronopthisis type 3 from comprehensively genotyped cohorts undergoing whole exome/nephronopthisis-related disorder panel testing (example, Meng_2017, Mallett_2017). These data indicate that the variant may be associated with disease. To our knowledge, no experimental evidence demonstrating an impact on protein function has been reported. One clinical diagnostic laboratory has submitted clinical-significance assessments for this variant to ClinVar and classified the variant as likely pathogenic. Based on the evidence outlined above, the variant was classified as likely pathogenic.

Sydney Genome Diagnostics, Children's Hospital Westmead
Classification: Likely pathogenic for Nephronophthisis. Last evaluated: 2012-07-28. Review status: no assertion criteria provided. Collection method: clinical testing. Allele origin: unknown. Affected: yes. Observed: 1 variant allele, 1 homozygote. Not counted in ClinVar's aggregate classification.
Comment: Homozygous or compound heterozygous mutations in NPHP3 are associated with Meckel syndrome type 7 (OMIM #267010), nephronophthisis type 3 (#604387) and renal-hepatic-pancreatic dysplasia type 1 (#208540). The c.1928C>T variant has not been previously reported in the literature or in the 1000 Genomes project or the ESP database. In silico analysis suggests that the substitution p.Pro643Leu is likely to be deleterious (AlignGVGD, SIFT, MutationTaster and PolyPhen2 through Alamut Visual v2.4). The proline is a highly conserved amino acid residue.

Literature cited by the submitters: PubMed 28844315 (cited by 3 submitters); PubMed 28973083 (cited by 3 submitters).